The following is an entry in ClinVar:

NM_002582.4(PARN):c.97+6C>A

Gene: PARN (poly(A)-specific ribonuclease; minus strand). Cytogenetic location: 16p13.12.
Variant type: single nucleotide variant.
Coding change: c.97+6C>A on transcript NM_002582.4 (MANE Select); 6 bases into the intron after coding-DNA position 97, C replaced by A.
Molecular consequence: intron variant.
Genome position (GRCh38, 1-based): chr16:14,629,591, G>T on the plus strand (C>A on the coding strand, the complement: PARN is on the minus strand). VCF-style: chr16-14629591-G-T. GRCh37 (hg19) VCF-style: chr16-14723448-G-T.
Other names: c.-87+6C>A (NM_001134477.3); c.97+6C>A (NM_001242992.2).
Identifiers: ClinVar variation 4786617 (VCV004786617.1).
Genomic context (GRCh38, chr16:14,629,591, plus strand): 5'-GGGGGATTGAAGGAGCCTTGGCTATGCACTGCAAAGTGCTAGCCTGAGCTTGCAAGGGAG[G>T]GATACCTGAAAACTCCCCATCGATGGCGAAGAAGTCGGCCTCCTCTATGGCCTGGTACAC-3'

ClinVar aggregate classification (germline): Uncertain significance (1 of 4 stars; one submission).

Conditions:
Dyskeratosis congenita, autosomal recessive 6 (DKCB6). Identifiers: MedGen C4225356, MONDO:0014600, OMIM 616353.
Pulmonary fibrosis and/or bone marrow failure, Telomere-related, 4. Also called: PULMONARY FIBROSIS AND/OR BONE MARROW FAILURE SYNDROME, TELOMERE-RELATED, 4. Identifiers: Orphanet 2032, MedGen C4225347, MONDO:0014612, OMIM 616371.

Submission:

Labcorp Genetics (formerly Invitae), Labcorp
Classification: Uncertain significance for Dyskeratosis congenita, autosomal recessive 6; Pulmonary fibrosis and/or bone marrow failure, Telomere-related, 4. Last evaluated: 2025-11-06. Review status: criteria provided, single submitter. Criteria: Invitae Variant Classification Sherloc (09022015). Collection method: clinical testing. Allele origin: germline.
Comment: This sequence change falls in intron 2 of the PARN gene. It does not directly change the encoded amino acid sequence of the PARN protein. It affects a nucleotide within the consensus splice site. This variant is not present in population databases (gnomAD no frequency). This variant has not been reported in the literature in individuals affected with PARN-related conditions. Variants that disrupt the consensus splice site are a relatively common cause of aberrant splicing (PMID: 17576681, 9536098). Algorithms developed to predict the effect of sequence changes on RNA splicing suggest that this variant is not likely to affect RNA splicing. In summary, the available evidence is currently insufficient to determine the role of this variant in disease. Therefore, it has been classified as a Variant of Uncertain Significance.

Literature cited by the submitters: PubMed 17576681; PubMed 9536098.